The following is an entry in ClinVar:

ClinVar aggregate classification (germline): Uncertain significance (1 of 4 stars; one submission).

Conditions:
Pyogenic arthritis-pyoderma gangrenosum-acne syndrome (PAPA). Also called: FAMILIAL RECURRENT ARTHRITIS; PAPA SYNDROME. Identifiers: Orphanet 69126, MedGen C1858361, MONDO:0011462, OMIM 604416.

Submission:

Labcorp Genetics (formerly Invitae), Labcorp
Classification: Uncertain significance for Pyogenic arthritis-pyoderma gangrenosum-acne syndrome. Last evaluated: 2025-06-08. Review status: criteria provided, single submitter. Criteria: Invitae Variant Classification Sherloc (09022015). Collection method: clinical testing. Allele origin: germline.
Comment: This sequence change replaces glutamic acid, which is acidic and polar, with aspartic acid, which is acidic and polar, at codon 352 of the PSTPIP1 protein (p.Glu352Asp). This variant is not present in population databases (gnomAD no frequency). This variant has not been reported in the literature in individuals affected with PSTPIP1-related conditions. An algorithm developed to predict the effect of missense changes on protein structure and function outputs the following: PolyPhen-2: "Benign". The aspartic acid amino acid residue is found in multiple mammalian species, which suggests that this missense change does not adversely affect protein function. In summary, the available evidence is currently insufficient to determine the role of this variant in disease. Therefore, it has been classified as a Variant of Uncertain Significance.

NM_003978.5(PSTPIP1):c.1056G>T (p.Glu352Asp)

Gene: PSTPIP1 (proline-serine-threonine phosphatase interacting protein 1; plus strand). Cytogenetic location: 15q24.3.
Variant type: single nucleotide variant.
Coding change: c.1056G>T on transcript NM_003978.5 (MANE Select); coding-DNA position 1056, G replaced by T.
Protein change: p.Glu352Asp; replaces glutamic acid 352 with aspartic acid.
Molecular consequence: missense variant. On other transcripts: non-coding transcript variant (1).
Genome position (GRCh38, 1-based): chr15:77,035,872, G>T. VCF-style: chr15-77035872-G-T. GRCh37 (hg19) VCF-style: chr15-77328213-G-T.
Other names: c.999G>T, p.Glu333Asp (NM_001321135.2); c.1029G>T, p.Glu343Asp (NM_001321136.2); c.1251G>T, p.Glu417Asp (NM_001321137.1); c.1047G>T, p.Glu349Asp (NM_001411086.1); short protein forms E333D, E343D, E352D, E349D, E417D.
Identifiers: ClinVar variation 4720687 (VCV004720687.1).